The following is an entry in ClinVar:

ClinVar aggregate classification (germline): Likely benign. Review status: criteria provided, multiple submitters, no conflicts (2 of 4 stars). 2 submissions from 2 submitters: Likely benign (2). Last evaluated 2024-10-28.

Allele frequency attached by ClinVar (database versions not stated): TOPMed below 0.00001; gnomAD 0.00001; gnomAD exomes 0.00002 and 0.00004; ExAC 0.00003; 1000 Genomes Project 30x 0.00016; 1000 Genomes Project 0.00020.
gnomAD v4.1: 24 of 1,613,480 alleles (0.0015%); highest among the groups gnomAD compares: South Asian, 0.025%; 1 homozygote.

Submissions (2):

Labcorp Genetics (formerly Invitae), Labcorp
Classification: Likely benign. Last evaluated: 2024-10-28. Review status: criteria provided, single submitter. Criteria: Invitae Variant Classification Sherloc (09022015). Collection method: clinical testing. Allele origin: germline.

CeGaT Center for Human Genetics Tuebingen
Classification: Likely benign. Last evaluated: 2022-12-01. Review status: criteria provided, single submitter. Criteria: CeGaT Center For Human Genetics Tuebingen Variant Classification Criteria Version 2. Collection method: clinical testing. Allele origin: germline. Affected: yes. Observed: 1 variant allele.
Comment: ITPR1: BP4

NM_001378452.1(ITPR1):c.4537-6T>C

Gene: ITPR1 (inositol 1,4,5-trisphosphate receptor type 1; plus strand). Cytogenetic location: 3p26.1.
Variant type: single nucleotide variant.
Coding change: c.4537-6T>C on transcript NM_001378452.1 (MANE Select); 6 bases into the intron before coding-DNA position 4537, T replaced by C.
Molecular consequence: intron variant.
Genome position (GRCh38, 1-based): chr3:4,702,824, T>C. VCF-style: chr3-4702824-T-C. GRCh37 (hg19) VCF-style: chr3-4744508-T-C.
Other names: c.4510-6T>C (NM_001099952.4); c.4492-6T>C (NM_001168272.2); c.4465-6T>C (NM_002222.7).
Identifiers: ClinVar variation 1660751 (VCV001660751.32), dbSNP rs557642414, ClinGen allele CA2232044.